The following is an entry in ClinVar:

NM_006019.4(TCIRG1):c.2237-2A>G

Gene: TCIRG1 (T cell immune regulator 1, ATPase H+ transporting V0 subunit a3; plus strand). Cytogenetic location: 11q13.2.
Variant type: single nucleotide variant.
Coding change: c.2237-2A>G on transcript NM_006019.4 (MANE Select); the canonical splice acceptor site of the intron before coding-DNA position 2237, A replaced by G.
Molecular consequence: splice acceptor variant. On other transcripts: intron variant (4).
Genome position (GRCh38, 1-based): chr11:68,050,485, A>G. VCF-style: chr11-68050485-A-G. GRCh37 (hg19) VCF-style: chr11-67817952-A-G.
Other names: c.2237-2A>G (NM_001440552.1, NM_001440553.1, NM_001440554.1); c.2236+231A>G (NM_001440557.1, NM_001440558.1); c.2024-2A>G (NM_001440559.1, NM_001440561.1, NM_001440560.1 and 1 more transcripts); c.1277-2A>G (NM_001440569.1); c.2023+231A>G (NM_001440566.1); c.2195-2A>G (NM_001440555.1, NM_001440556.1); c.1343-2A>G (NM_001351059.2); c.1775-2A>G (NM_001440567.1); and 5 more.
Identifiers: ClinVar variation 4815483 (VCV004815483.1).

ClinVar aggregate classification (germline): Likely pathogenic (1 of 4 stars; one submission).

Conditions:
Autosomal recessive osteopetrosis 1. Also called: ALBERS-SCHONBERG DISEASE, AUTOSOMAL RECESSIVE; TCIRG1-Related Autosomal Recessive Osteopetrosis; TCIRG1-Related Osteopetrosis. Identifiers: Orphanet 667, MedGen C1850127, MONDO:0009815, OMIM 259700.

Submission:

Natera, Inc.
Classification: Likely pathogenic for Infantile malignant osteopetrosis. Last evaluated: 2024-04-23. Review status: criteria provided, single submitter. Criteria: Natera Variant Classification Schema (03/2026). Collection method: clinical testing. Allele origin: germline.
Comment: The c.2237-2A>G variant in TCIRG1 is a canonical splice acceptor site variant predicted to affect pre-mRNA splicing, which may result in an abnormal transcript and altered protein product. This variant is expected to result in nonsense mediated decay, truncation, or a dysfunctional protein product. This variant is rare in the general population with a frequency below the threshold expected for the associated phenotype(s). Given the available evidence, this variant is classified as Likely Pathogenic.